The following is an entry in ClinVar:

ClinVar aggregate classification (germline): Uncertain significance. Review status: criteria provided, multiple submitters, no conflicts (2 of 4 stars). 4 submissions from 4 submitters: Uncertain significance (4). Last evaluated 2025-04-04.

Conditions:
PRX-related disorder. Also called: PRX-related condition; PRX-Related Disorders.
Charcot-Marie-Tooth disease type 4. Also called: Charcot-Marie-Tooth, Type 4; Charcot-Marie-Tooth disease, type IV. Identifiers: Orphanet 64749, MedGen C4082197, MONDO:0018995.

Allele frequency attached by ClinVar (database versions not stated): TOPMed 0.00005; gnomAD 0.00006; ESP Exome Variant Server 0.00008; ExAC 0.00001; gnomAD exomes 0.00001.
gnomAD v4.1: 26 of 1,600,744 alleles (0.0016%); highest among the groups gnomAD compares: African/African-American, 0.02%; no homozygotes.

Submissions (4):

PreventionGenetics, part of Exact Sciences
Classification: Uncertain significance for PRX-related condition. Last evaluated: 2025-04-04. Review status: criteria provided, single submitter. Criteria: ACMG Guidelines, 2015. Collection method: clinical testing. Allele origin: germline.
Comment: The PRX c.3832G>A variant is predicted to result in the amino acid substitution p.Asp1278Asn. To our knowledge, this variant has not been reported in the literature. This variant is reported in 0.037% of alleles in individuals of African descent in gnomAD. At this time, the clinical significance of this variant is uncertain due to the absence of conclusive functional and genetic evidence.

GeneDx
Classification: Uncertain significance. Last evaluated: 2024-11-06. Review status: criteria provided, single submitter. Criteria: GeneDx Variant Classification Process June 2021. Collection method: clinical testing. Allele origin: germline. Affected: yes.
Comment: In silico analysis supports that this missense variant has a deleterious effect on protein structure/function; Has not been previously published as pathogenic or benign to our knowledge

Dasa
Classification: Uncertain significance. Last evaluated: 2024-10-04. Review status: criteria provided, single submitter. Criteria: DASA Assertion Criteria. Collection method: clinical testing. Allele origin: germline.
Comment: NM_181882.3(PRX):c.3832G>A (p.Asp1278Asn) is a missense variant that results in the substitution of aspartic acid with asparagine. This variant is rare in population databases. Computational prediction algorithms are consistent with a benign effect. The currently available literature and clinical evidence are not sufficient to establish a definitive association between this variant and the reported condition. Therefore, this variant is classified as a variant of uncertain significance.

Labcorp Genetics (formerly Invitae), Labcorp
Classification: Uncertain significance for Charcot-Marie-Tooth disease type 4. Last evaluated: 2022-11-01. Review status: criteria provided, single submitter. Criteria: Invitae Variant Classification Sherloc (09022015). Collection method: clinical testing. Allele origin: germline.
Comment: This sequence change replaces aspartic acid, which is acidic and polar, with asparagine, which is neutral and polar, at codon 1278 of the PRX protein (p.Asp1278Asn). This variant is present in population databases (rs377639106, gnomAD 0.04%). In summary, the available evidence is currently insufficient to determine the role of this variant in disease. Therefore, it has been classified as a Variant of Uncertain Significance. Advanced modeling of protein sequence and biophysical properties (such as structural, functional, and spatial information, amino acid conservation, physicochemical variation, residue mobility, and thermodynamic stability) performed at Invitae indicates that this missense variant is not expected to disrupt PRX protein function. ClinVar contains an entry for this variant (Variation ID: 1509490). This variant has not been reported in the literature in individuals affected with PRX-related conditions.

NM_181882.3(PRX):c.3832G>A (p.Asp1278Asn)

Gene: PRX (periaxin; minus strand). Cytogenetic location: 19q13.2.
Variant type: single nucleotide variant.
Coding change: c.3832G>A on transcript NM_181882.3 (MANE Select); coding-DNA position 3832, G replaced by A.
Protein change: p.Asp1278Asn; replaces aspartic acid 1278 with asparagine.
Molecular consequence: missense variant. On other transcripts: 3 prime UTR variant (1).
Genome position (GRCh38, 1-based): chr19:40,394,520, C>T on the plus strand (G>A on the coding strand, the complement: PRX is on the minus strand). VCF-style: chr19-40394520-C-T. GRCh37 (hg19) VCF-style: chr19-40900427-C-T.
Other names: c.*4037G>A (NM_020956.2); c.3832G>A (NM_181882.2); short protein forms D1278N.
Identifiers: ClinVar variation 1509490 (VCV001509490.11), dbSNP rs377639106, ClinGen allele CA9443773.